The following is an entry in ClinVar:

NM_176824.3(BBS7):c.389A>C (p.Asn130Thr)

Gene: BBS7 (Bardet-Biedl syndrome 7; minus strand). Cytogenetic location: 4q27.
Variant type: single nucleotide variant.
Coding change: c.389A>C on transcript NM_176824.3 (MANE Select); coding-DNA position 389, A replaced by C.
Protein change: p.Asn130Thr; replaces asparagine 130 with threonine.
Molecular consequence: missense variant.
Genome position (GRCh38, 1-based): chr4:121,859,131, T>G on the plus strand (A>C on the coding strand, the complement: BBS7 is on the minus strand). VCF-style: chr4-121859131-T-G. GRCh37 (hg19) VCF-style: chr4-122780286-T-G.
Other names: c.389A>C, p.Asn130Thr (NM_018190.4); short protein forms N130T.
Identifiers: ClinVar variation 1487264 (VCV001487264.8), dbSNP rs2149085001, ClinGen allele CA358043332.

ClinVar aggregate classification (germline): Uncertain significance (1 of 4 stars; one submission).

Conditions:
Bardet-Biedl syndrome (BBS). Identifiers: Orphanet 110, MedGen C0752166, MONDO:0015229.

Submission:

Labcorp Genetics (formerly Invitae), Labcorp
Classification: Uncertain significance for Bardet-Biedl syndrome. Last evaluated: 2025-04-16. Review status: criteria provided, single submitter. Criteria: Invitae Variant Classification Sherloc (09022015). Collection method: clinical testing. Allele origin: germline.
Comment: This sequence change replaces asparagine, which is neutral and polar, with threonine, which is neutral and polar, at codon 130 of the BBS7 protein (p.Asn130Thr). This variant is not present in population databases (gnomAD no frequency). This variant has not been reported in the literature in individuals affected with BBS7-related conditions. ClinVar contains an entry for this variant (Variation ID: 1487264). Invitae Evidence Modeling of protein sequence and biophysical properties (such as structural, functional, and spatial information, amino acid conservation, physicochemical variation, residue mobility, and thermodynamic stability) indicates that this missense variant is not expected to disrupt BBS7 protein function with a negative predictive value of 80%. In summary, the available evidence is currently insufficient to determine the role of this variant in disease. Therefore, it has been classified as a Variant of Uncertain Significance.